The following is an entry in ClinVar:

ClinVar aggregate classification (germline): Likely benign (1 of 4 stars; one submission).

gnomAD v4.1: 72 of 1,597,860 alleles (0.0045%); highest among the groups gnomAD compares: Admixed American, 0.12%; 1 homozygote.

Submission:

CeGaT Center for Human Genetics Tuebingen
Classification: Likely benign. Last evaluated: 2025-11-01. Review status: criteria provided, single submitter. Criteria: CeGaT Center For Human Genetics Tuebingen Variant Classification Criteria Version 2. Collection method: clinical testing. Allele origin: germline. Affected: yes. Observed: 1 variant allele.
Comment: ZFHX3: BS1

NM_006885.4(ZFHX3):c.10623G>C (p.Glu3541Asp)

Genes: ZFHX3 (zinc finger homeobox 3; minus strand), ZFHX3-AS1 (ZFHX3 antisense RNA 1; plus strand). Cytogenetic location: 16q22.2.
Variant type: single nucleotide variant.
Coding change: c.10623G>C on transcript NM_006885.4 (MANE Select); coding-DNA position 10623, G replaced by C.
Protein change: p.Glu3541Asp; replaces glutamic acid 3541 with aspartic acid.
Molecular consequence: missense variant.
Genome position (GRCh38, 1-based): chr16:72,787,653, C>G on the plus strand (G>C on the coding strand, the complement: ZFHX3 is on the minus strand). VCF-style: chr16-72787653-C-G. GRCh37 (hg19) VCF-style: chr16-72821552-C-G.
Other names: c.7881G>C, p.Glu2627Asp (NM_001164766.2); c.10623G>C, p.Glu3541Asp (NM_001386735.1); short protein forms E2627D, E3541D.
Identifiers: ClinVar variation 4533850 (VCV004533850.6).